The following is an entry in ClinVar:

NM_080424.4(SP110):c.938A>G (p.Lys313Arg)

Genes: SP140 (SP140 nuclear body protein; plus strand), SP110 (SP110 nuclear body protein; minus strand). Cytogenetic location: 2q37.1.
Variant type: single nucleotide variant.
Coding change: c.938A>G on transcript NM_080424.4 (MANE Select); coding-DNA position 938, A replaced by G.
Protein change: p.Lys313Arg; replaces lysine 313 with arginine.
Molecular consequence: missense variant. On other transcripts: intron variant (1).
Genome position (GRCh38, 1-based): chr2:230,202,689, T>C on the plus strand (A>G on the coding strand, the complement: SP110 is on the minus strand). VCF-style: chr2-230202689-T-C. GRCh37 (hg19) VCF-style: chr2-231067405-T-C.
Other names: c.956A>G, p.Lys319Arg (NM_001185015.2, NM_001378442.1, NM_001378444.1 and 2 more transcripts); c.938A>G, p.Lys313Arg (NM_001378443.1, NM_004509.5, NM_004510.4); c.899-1724A>G (NM_001378447.1); short protein forms K313R, K319R.
Identifiers: ClinVar variation 534649 (VCV000534649.8), dbSNP rs1317519602, ClinGen allele CA350911814.

ClinVar aggregate classification (germline): Uncertain significance. Review status: criteria provided, multiple submitters, no conflicts (2 of 4 stars). 2 submissions from 2 submitters: Uncertain significance (2). Last evaluated 2025-07-14.

Conditions:
Inborn genetic diseases. Identifiers: MedGen C0950123, MeSH D030342.
Hepatic veno-occlusive disease-immunodeficiency syndrome. Also called: Hepatic Veno-Occlusive Disease with Immunodeficiency. Identifiers: Orphanet 79124, MedGen C1856128, MONDO:0009338, OMIM 235550. Disease mechanism: loss of function.

Allele frequency attached by ClinVar (database versions not stated): gnomAD exomes below 0.00001; gnomAD 0.00001 and 0.00002; TOPMed 0.00001.
gnomAD v4.1: 5 of 1,613,996 alleles (0.00031%); highest among the groups gnomAD compares: Admixed American, 0.0017%; no homozygotes.

Submissions (2):

Ambry Genetics
Classification: Uncertain significance for Inborn genetic diseases. Last evaluated: 2025-07-14. Review status: criteria provided, single submitter. Criteria: Ambry Variant Classification Scheme 2023. Collection method: clinical testing. Allele origin: germline.

Labcorp Genetics (formerly Invitae), Labcorp
Classification: Uncertain significance for Hepatic veno-occlusive disease-immunodeficiency syndrome. Last evaluated: 2017-12-10. Review status: criteria provided, single submitter. Criteria: Invitae Variant Classification Sherloc (09022015). Collection method: clinical testing. Allele origin: germline.
Comment: This sequence change replaces lysine with arginine at codon 313 of the SP110 protein (p.Lys313Arg). The lysine residue is weakly conserved and there is a small physicochemical difference between lysine and arginine. This variant is not present in population databases (ExAC no frequency). This variant has not been reported in the literature in individuals with SP110-related disease. Algorithms developed to predict the effect of missense changes on protein structure and function output the following: SIFT: "Tolerated"; PolyPhen-2: "Benign"; Align-GVGD: "Class C0". The arginine amino acid residue is found in multiple mammalian species, suggesting that this missense change does not adversely affect protein function. These predictions have not been confirmed by published functional studies and their clinical significance is uncertain. In summary, the available evidence is currently insufficient to determine the role of this variant in disease. Therefore, it has been classified as a Variant of Uncertain Significance.